The following is an entry in ClinVar:

NM_153240.5(NPHP3):c.473C>T (p.Ala158Val)

Genes: NPHP3 (nephrocystin 3; minus strand), NPHP3-ACAD11 (NPHP3-ACAD11 readthrough (NMD candidate); minus strand). Cytogenetic location: 3q22.1.
Variant type: single nucleotide variant.
Coding change: c.473C>T on transcript NM_153240.5 (MANE Select); coding-DNA position 473, C replaced by T.
Protein change: p.Ala158Val; replaces alanine 158 with valine.
Molecular consequence: missense variant. On other transcripts: non-coding transcript variant (1).
Genome position (GRCh38, 1-based): chr3:132,719,751, G>A on the plus strand (C>T on the coding strand, the complement: NPHP3 is on the minus strand). VCF-style: chr3-132719751-G-A. GRCh37 (hg19) VCF-style: chr3-132438595-G-A.
Other names: short protein forms A158V.
Identifiers: ClinVar variation 1035634 (VCV001035634.8), dbSNP rs1940154883, ClinGen allele CA354587930.
Genomic context (GRCh38, chr3:132,719,751, plus strand): 5'-TGTAAGGAATTTACCTTGAATTGCCTTTTAACTTTATCTCTGTCATGTTCAAATGTTGCT[G>A]CTCTCTCCATTGCTTGGTATTTCGCTTCTAAAGCACTTTCTTTTTCTCGAAGTATCTTCT-3'
Protein context (NP_694972.3, residues 148-168): LEAKYQAMER[Ala158Val]ATFEHDRDKV

ClinVar aggregate classification (germline): Uncertain significance (1 of 4 stars; one submission).

Conditions:
Nephronophthisis. Also called: Juvenile Nephronophthisis. Identifiers: Orphanet 655, MedGen C0687120, MONDO:0019005, HP:0000090.

Allele frequency attached by ClinVar (database versions not stated): gnomAD exomes below 0.00001; TOPMed below 0.00001.

Submission:

Labcorp Genetics (formerly Invitae), Labcorp
Classification: Uncertain significance for Nephronophthisis. Last evaluated: 2022-05-27. Review status: criteria provided, single submitter. Criteria: Invitae Variant Classification Sherloc (09022015). Collection method: clinical testing. Allele origin: germline.
Comment: In summary, the available evidence is currently insufficient to determine the role of this variant in disease. Therefore, it has been classified as a Variant of Uncertain Significance. Algorithms developed to predict the effect of missense changes on protein structure and function are either unavailable or do not agree on the potential impact of this missense change (SIFT: "Deleterious"; PolyPhen-2: "Possibly Damaging"; Align-GVGD: "Class C0"). ClinVar contains an entry for this variant (Variation ID: 1035634). This variant has not been reported in the literature in individuals affected with NPHP3-related conditions. This variant is not present in population databases (gnomAD no frequency). This sequence change replaces alanine, which is neutral and non-polar, with valine, which is neutral and non-polar, at codon 158 of the NPHP3 protein (p.Ala158Val).